The following is an entry in ClinVar:

NM_018972.4(GDAP1):c.964A>G (p.Thr322Ala)

Gene: GDAP1 (ganglioside induced differentiation associated protein 1; plus strand). Cytogenetic location: 8q21.11.
Variant type: single nucleotide variant.
Coding change: c.964A>G on transcript NM_018972.4 (MANE Select); coding-DNA position 964, A replaced by G.
Protein change: p.Thr322Ala; replaces threonine 322 with alanine.
Molecular consequence: missense variant. On other transcripts: intron variant (1).
Genome position (GRCh38, 1-based): chr8:74,364,254, A>G. VCF-style: chr8-74364254-A-G. GRCh37 (hg19) VCF-style: chr8-75276489-A-G.
Other names: c.760A>G, p.Thr254Ala (NM_001040875.4); c.637A>G, p.Thr213Ala (NM_001362929.2, NM_001362932.2); c.790A>G, p.Thr264Ala (NM_001362930.2); c.694+1201A>G (NM_001362931.2); short protein forms T254A, T322A, T213A, T264A.
Identifiers: ClinVar variation 1767667 (VCV001767667.2), dbSNP rs371960254, ClinGen allele CA4785220.
Genomic context (GRCh38, chr8:74,364,254, plus strand): 5'-TCTGCAGTGCTGCCAACAGCATTCCGGGTGGCCAAGAAAAGGGCCCCAAAAGTTCTTGGC[A>G]CGACCCTTGTGGTTGGTTTGCTTGCAGGAGTGGGATATTTTGCTTTTATGCTTTTCAGAA-3'
Protein context (NP_061845.2, residues 312-332): AKKRAPKVLG[Thr322Ala]TLVVGLLAGV

ClinVar aggregate classification (germline): Uncertain significance (1 of 4 stars; one submission).

Conditions:
Inborn genetic diseases. Identifiers: MedGen C0950123, MeSH D030342.

Allele frequency attached by ClinVar (database versions not stated): TOPMed below 0.00001; ExAC 0.00001; ESP Exome Variant Server 0.00008.

Submission:

Ambry Genetics
Classification: Uncertain significance for Inborn genetic diseases. Last evaluated: 2021-08-09. Review status: criteria provided, single submitter. Criteria: Ambry Variant Classification Scheme 2023. Collection method: clinical testing. Allele origin: germline.
Comment: The p.T322A variant (also known as c.964A>G), located in coding exon 6 of the GDAP1 gene, results from an A to G substitution at nucleotide position 964. The threonine at codon 322 is replaced by alanine, an amino acid with similar properties. This amino acid position is conserved. In addition, the in silico prediction for this alteration is inconclusive. Since supporting evidence is limited at this time, the clinical significance of this alteration remains unclear.